The following is an entry in ClinVar:

ClinVar aggregate classification (germline): Conflicting classifications of pathogenicity. Review status: criteria provided, conflicting classifications (1 of 4 stars). 6 submissions from 6 submitters: Uncertain significance (2); Likely benign (2). 2 of the submissions do not count toward it. Last evaluated 2026-02-01.

Conditions:
SEC63-related disorder. Also called: SEC63-related condition.
Autosomal dominant medullary cystic kidney disease with or without hyperuricemia. Identifiers: Orphanet 34149, MedGen C4511620, MONDO:0008264.
Polycystic liver disease 2 (PCLD2). Also called: Polycystic liver disease 2 with or without kidney cysts. Identifiers: Orphanet 2924, MedGen C4310769, MONDO:0014860, OMIM 617004.

Allele frequency attached by ClinVar (database versions not stated): gnomAD 0.06144.

Submissions (8):

Labcorp Genetics (formerly Invitae), Labcorp
Classification: Likely benign. Last evaluated: 2026-02-01. Review status: criteria provided, single submitter. Criteria: Invitae Variant Classification Sherloc (09022015). Collection method: clinical testing. Allele origin: germline.

Blueprint Genetics
Classification: Likely benign. Last evaluated: 2024-11-26. Review status: criteria provided, single submitter. Criteria: ACMG Guidelines, 2015. Collection method: clinical testing. Allele origin: germline.

Department of Pathology and Laboratory Medicine, Sinai Health System
Classification: Uncertain significance for polycystic liver disease 2. Last evaluated: 2023-02-28. Review status: criteria provided, single submitter. Criteria: ACMG Guidelines, 2015. Collection method: research. Allele origin: germline.

Breakthrough Genomics
Classification: Uncertain significance. Review status: criteria provided, single submitter. Criteria: ACMG Guidelines, 2015. Collection method: not provided. Allele origin: germline. Inheritance: Autosomal dominant inheritance. Affected: yes.

PreventionGenetics, part of Exact Sciences
Classification: Likely benign for SEC63-related condition. Last evaluated: 2023-03-08. Review status: no assertion criteria provided. Collection method: clinical testing. Allele origin: germline. Not counted in ClinVar's aggregate classification.
Comment: This variant is classified as likely benign based on ACMG/AMP sequence variant interpretation guidelines (Richards et al. 2015 PMID: 25741868, with internal and published modifications).

Sydney Genome Diagnostics, Children's Hospital Westmead
Classification: Uncertain significance for Autosomal dominant medullary cystic kidney disease with or without hyperuricemia. Last evaluated: 2018-10-24. Review status: no assertion criteria provided. Collection method: clinical testing. Allele origin: unknown. Affected: yes. Observed: 1 variant allele, 1 heterozygote. Not counted in ClinVar's aggregate classification.
Comment: To our knowledge, the c.1936-8G>T variant has not been previously reported to be associated with disease and there is no frequency data available. It is unclear if this variant will alter splicing or is a non-pathogenic variant. In silico analysis (using Alamutv2.6) predicts that this variant does not affect splicing, however, this analysis alone cannot be used to exclude pathogenicity.

Dr. Peter K. Rogan Lab, Western University
No classification provided (evidence only). Condition: Cholangiocarcinoma. Review status: no classification provided. Collection method: in vitro. Allele origin: not applicable. Functional consequence: skipped exon. Not counted in ClinVar's aggregate classification.

Dr. Peter K. Rogan Lab, Western University
No classification provided (evidence only). Condition: Uterine carcinosarcoma. Review status: no classification provided. Collection method: in vitro. Allele origin: not applicable. Functional consequence: skipped exon. Not counted in ClinVar's aggregate classification.

NM_007214.5(SEC63):c.1936-8G>T

Gene: SEC63 (SEC63 protein translocation regulator; minus strand). Cytogenetic location: 6q21.
Variant type: single nucleotide variant.
Coding change: c.1936-8G>T on transcript NM_007214.5 (MANE Select); 8 bases into the intron before coding-DNA position 1936, G replaced by T.
Molecular consequence: intron variant.
Genome position (GRCh38, 1-based): chr6:107,876,670, C>A on the plus strand (G>T on the coding strand, the complement: SEC63 is on the minus strand). VCF-style: chr6-107876670-C-A. GRCh37 (hg19) VCF-style: chr6-108197874-C-A.
Identifiers: ClinVar variation 988126 (VCV000988126.10), dbSNP rs115710123, ClinGen allele CA145654124.